The following is an entry in ClinVar:

NM_001846.4(COL4A2):c.4842T>A (p.Ala1614=)

Gene: COL4A2 (collagen type IV alpha 2 chain; plus strand). Cytogenetic location: 13q34.
Variant type: single nucleotide variant.
Coding change: c.4842T>A on transcript NM_001846.4 (MANE Select); coding-DNA position 4842, T replaced by A.
Protein change: p.Ala1614=; no amino-acid change (alanine 1614 retained).
Molecular consequence: synonymous variant.
Genome position (GRCh38, 1-based): chr13:110,508,182, T>A. VCF-style: chr13-110508182-T-A. GRCh37 (hg19) VCF-style: chr13-111160529-T-A.
Other names: c.4842T>A (NM_001846.3).
Identifiers: ClinVar variation 2419225 (VCV002419225.8), dbSNP rs772782553, ClinGen allele CA7050668.

ClinVar aggregate classification (germline): Likely benign. Review status: criteria provided, single submitter (1 of 4 stars). 2 submissions from 2 submitters: Likely benign (1). 1 of the submissions does not count toward it. Last evaluated 2024-06-17.

Conditions:
COL4A2-related disorder. Also called: COL4A2-related disorders; COL4A2-related condition.

Allele frequency attached by ClinVar (database versions not stated): ExAC 0.00002; gnomAD 0.00002; TOPMed 0.00002; gnomAD exomes 0.00003.
gnomAD v4.1: 18 of 1,614,260 alleles (0.0011%); highest among the groups gnomAD compares: East Asian, 0.04%; no homozygotes.

Submissions (2):

Labcorp Genetics (formerly Invitae), Labcorp
Classification: Likely benign. Last evaluated: 2024-06-17. Review status: criteria provided, single submitter. Criteria: Invitae Variant Classification Sherloc (09022015). Collection method: clinical testing. Allele origin: germline.

PreventionGenetics, part of Exact Sciences
Classification: Likely benign for COL4A2-related condition. Last evaluated: 2024-08-08. Review status: no assertion criteria provided. Collection method: clinical testing. Allele origin: germline. Not counted in ClinVar's aggregate classification.
Comment: This variant is classified as likely benign based on ACMG/AMP sequence variant interpretation guidelines (Richards et al. 2015 PMID: 25741868, with internal and published modifications).